The following is an entry in ClinVar:

ClinVar aggregate classification (germline): Uncertain significance (1 of 4 stars; one submission).

Conditions:
Neurofibromatosis, type 1 (NF1). Also called: NEUROFIBROMATOSIS, TYPE I, SOMATIC; Neurofibromatosis, type I; Peripheral type neurofibromatosis; VON RECKLINGHAUSEN DISEASE. Identifiers: Orphanet 636, MedGen C0027831, MONDO:0018975, OMIM 162200. Disease mechanism: loss of function.

Submission:

Labcorp Genetics (formerly Invitae), Labcorp
Classification: Uncertain significance for Neurofibromatosis, type 1. Last evaluated: 2023-12-11. Review status: criteria provided, single submitter. Criteria: Invitae Variant Classification Sherloc (09022015). Collection method: clinical testing. Allele origin: germline.
Comment: This sequence change replaces alanine, which is neutral and non-polar, with valine, which is neutral and non-polar, at codon 670 of the NF1 protein (p.Ala670Val). This variant is not present in population databases (gnomAD no frequency). This variant has not been reported in the literature in individuals affected with NF1-related conditions. ClinVar contains an entry for this variant (Variation ID: 2093639). Advanced modeling of protein sequence and biophysical properties (such as structural, functional, and spatial information, amino acid conservation, physicochemical variation, residue mobility, and thermodynamic stability) performed at Invitae indicates that this missense variant is not expected to disrupt NF1 protein function with a negative predictive value of 95%. In summary, the available evidence is currently insufficient to determine the role of this variant in disease. Therefore, it has been classified as a Variant of Uncertain Significance.

NM_001042492.3(NF1):c.2009C>T (p.Ala670Val)

Gene: NF1 (neurofibromin 1; plus strand). Cytogenetic location: 17q11.2.
Variant type: single nucleotide variant.
Coding change: c.2009C>T on transcript NM_001042492.3 (MANE Select); coding-DNA position 2009, C replaced by T.
Protein change: p.Ala670Val; replaces alanine 670 with valine.
Molecular consequence: missense variant.
Genome position (GRCh38, 1-based): chr17:31,226,442, C>T. VCF-style: chr17-31226442-C-T. GRCh37 (hg19) VCF-style: chr17-29553460-C-T.
Other names: c.2009C>T, p.Ala670Val (NM_000267.4); short protein forms A670V.
Identifiers: ClinVar variation 2093639 (VCV002093639.4), dbSNP rs2151425527, ClinGen allele CA398982008.